The following is an entry in ClinVar:

ClinVar aggregate classification (germline): Uncertain significance (1 of 4 stars; one submission).

Submission:

Labcorp Genetics (formerly Invitae), Labcorp
Classification: Uncertain significance. Last evaluated: 2022-01-13. Review status: criteria provided, single submitter. Criteria: Invitae Variant Classification Sherloc (09022015). Collection method: clinical testing. Allele origin: germline.
Comment: In summary, the available evidence is currently insufficient to determine the role of this variant in disease. Therefore, it has been classified as a Variant of Uncertain Significance. Variants that disrupt the consensus splice site are a relatively common cause of aberrant splicing (PMID: 17576681, 9536098). Algorithms developed to predict the effect of sequence changes on RNA splicing suggest that this variant may disrupt the consensus splice site. This variant has not been reported in the literature in individuals affected with MTPAP-related conditions. This variant is not present in population databases (gnomAD no frequency). This sequence change falls in intron 7 of the MTPAP gene. It does not directly change the encoded amino acid sequence of the MTPAP protein. It affects a nucleotide within the consensus splice site.

Literature cited by the submitters: PubMed 17576681; PubMed 9536098.

NM_018109.4(MTPAP):c.1312+3_1312+6del

Gene: MTPAP (mitochondrial poly(A) polymerase; minus strand). Cytogenetic location: 10p11.23.
Variant type: Deletion.
Coding change: c.1312+3_1312+6del on transcript NM_018109.4 (MANE Select); bases 3 to 6 of the intron after coding-DNA position 1312, 4 bases deleted (AAGT; older notation c.1312+3_1312+6delAAGT).
Molecular consequence: splice donor variant.
Genome position (GRCh38, 1-based): chr10:30,316,112-30,316,115, ACTT deleted on the plus strand (AAGT on the coding strand, the reverse complement: MTPAP is on the minus strand); deleting any 4 consecutive bases within chr10:30,316,112-30,316,117 gives the same sequence; the c. name uses the placement nearest the transcript's 3' end. VCF-style (leftmost placement, unchanged base first): chr10-30316111-CACTT-C. GRCh37 (hg19) VCF-style: chr10-30605040-CACTT-C.
Identifiers: ClinVar variation 2081806 (VCV002081806.4), dbSNP rs2538447289, ClinGen allele CA2580081487.